The following is an entry in ClinVar:

ClinVar aggregate classification (germline): Uncertain significance. Review status: criteria provided, multiple submitters, no conflicts (2 of 4 stars). 6 submissions from 6 submitters: Uncertain significance (5). 1 of the submissions does not count toward it. Last evaluated 2024-03-06.

Conditions:
Hereditary cancer-predisposing syndrome. Also called: Neoplastic Syndromes, Hereditary; Tumor predisposition; Hereditary neoplastic syndrome; Hereditary Cancer Syndrome. Identifiers: Orphanet 140162, MedGen C0027672, MeSH D009386, MONDO:0015356.
Ataxia-telangiectasia syndrome (AT). Also called: Cerebello-oculocutaneous telangiectasia; Immunodeficiency with ataxia telangiectasia; Ataxia-telangiectasia; Ataxia telangiectasia (A-T); LOUIS-BAR SYNDROME; Ataxia-telangiectasia, complementation group D. Identifiers: Orphanet 100, MedGen C0004135, MONDO:0008840, OMIM 208900.

Allele frequency attached by ClinVar (database versions not stated): gnomAD exomes below 0.00001.
gnomAD v4.1: 1 of 1,613,398 alleles (0.000062%); highest among the groups gnomAD compares: Non-Finnish European, 0.000085%; no homozygotes.

Submissions (6):

Color Diagnostics, LLC DBA Color Health
Classification: Uncertain significance for Hereditary cancer-predisposing syndrome. Last evaluated: 2024-03-06. Review status: criteria provided, single submitter. Criteria: ACMG Guidelines, 2015. Collection method: clinical testing. Allele origin: germline.
Comment: This missense variant replaces leucine with valine at codon 1798 of the ATM protein. Computational prediction suggests that this variant may not impact protein structure and function (internally defined REVEL score threshold <= 0.5, PMID: 27666373). Splice site prediction tools suggest that this variant may create a splice donor site. However, this prediction has not been confirmed in published RNA studies. To our knowledge, functional studies have not been performed for this variant. This variant has not been reported in individuals affected with hereditary cancer in the literature. This variant has not been identified in the general population by the Genome Aggregation Database (gnomAD). The available evidence is insufficient to determine the role of this variant in disease conclusively. Therefore, this variant is classified as a Variant of Uncertain Significance.

Ambry Genetics
Classification: Uncertain significance for Hereditary cancer-predisposing syndrome. Last evaluated: 2022-09-09. Review status: criteria provided, single submitter. Criteria: Ambry Variant Classification Scheme 2023. Collection method: clinical testing. Allele origin: germline.
Comment: The c.5392C>G variant (also known as p.L1798V), located in coding exon 35 of the ATM gene, results from a C to G substitution at nucleotide position 5392. The leucine at codon 1798 is replaced by valine, an amino acid with highly similar properties. This nucleotide position is highly conserved in available vertebrate species. In silico splice site analysis predicts that this alteration will result in the creation or strengthening of a novel splice donor site. RNA studies have demonstrated that this alteration results in an incomplete splice defect; the clinical impact of this abnormal splicing is unknown at this time (Ambry internal data). Since supporting evidence is limited at this time, the clinical significance of this alteration remains unclear.

Labcorp Genetics (formerly Invitae), Labcorp
Classification: Uncertain significance for Ataxia-telangiectasia syndrome. Last evaluated: 2021-11-02. Review status: criteria provided, single submitter. Criteria: Invitae Variant Classification Sherloc (09022015). Collection method: clinical testing. Allele origin: germline.
Comment: In summary, the available evidence is currently insufficient to determine the role of this variant in disease. Therefore, it has been classified as a Variant of Uncertain Significance. Algorithms developed to predict the effect of sequence changes on RNA splicing suggest that this variant may create or strengthen a splice site. Advanced modeling of protein sequence and biophysical properties (such as structural, functional, and spatial information, amino acid conservation, physicochemical variation, residue mobility, and thermodynamic stability) performed at Invitae indicates that this missense variant is not expected to disrupt ATM protein function. ClinVar contains an entry for this variant (Variation ID: 246468). This variant has not been reported in the literature in individuals affected with ATM-related conditions. This variant is not present in population databases (gnomAD no frequency). This sequence change replaces leucine, which is neutral and non-polar, with valine, which is neutral and non-polar, at codon 1798 of the ATM protein (p.Leu1798Val).

Athena Diagnostics
Classification: Uncertain significance. Last evaluated: 2021-10-26. Review status: criteria provided, single submitter. Criteria: Athena Diagnostics Criteria. Collection method: clinical testing. Allele origin: unknown.

GeneDx
Classification: Uncertain significance. Last evaluated: 2016-03-02. Review status: criteria provided, single submitter. Criteria: GeneDx Variant Classification (06012015). Collection method: clinical testing. Allele origin: germline. Affected: yes.
Comment: This variant is denoted ATM c.5392C>G at the cDNA level, p.Leu1798Val (L1798V) at the protein level, and results in the change of a Leucine to a Valine (CTA>GTA). Although this variant has not been reported as a germline variant to our knowledge, ATM Leu1798Val has been published as a somatic variant in an oligoastrocytoma tumor (Bai 2016). ATM Leu1798Val was not observed in approximately 6,500 individuals of European and African American ancestry in the NHLBI Exome Sequencing Project, suggesting it is not a common benign variant in these populations. Since Leucine and Valine share similar properties, this is considered a conservative amino acid substitution. ATM Leu1798Val occurs at a position that is not conserved and is not located in a known functional domain (Tavtigian 2009, Stracker 2013). While protein-based in silico analyses predict that this variant is unlikely to alter protein structure or function, multiple splicing models predict that this variant may create a new cryptic splice donor site in exon 36, 105 bases upstream of the natural splice donor site. However, in the absence of RNA or functional studies, the actual effect of this variant is unknown. Based on currently available evidence, it is unclear whether ATM Leu1798Val is a pathogenic or benign variant. We consider it to be a variant of uncertain significance.

Natera, Inc.
Classification: Uncertain significance for Ataxia-telangiectasia. Last evaluated: 2025-04-11. Review status: no assertion criteria provided. Collection method: clinical testing. Allele origin: germline. Not counted in ClinVar's aggregate classification.

NM_000051.4(ATM):c.5392C>G (p.Leu1798Val)

Gene: ATM (ATM serine/threonine kinase; plus strand). Cytogenetic location: 11q22.3.
Variant type: single nucleotide variant.
Coding change: c.5392C>G on transcript NM_000051.4 (MANE Select); coding-DNA position 5392, C replaced by G.
Protein change: p.Leu1798Val; replaces leucine 1798 with valine.
Molecular consequence: missense variant.
Genome position (GRCh38, 1-based): chr11:108,302,925, C>G. VCF-style: chr11-108302925-C-G. GRCh37 (hg19) VCF-style: chr11-108173652-C-G.
Other names: c.5392C>G, p.Leu1798Val (NM_001351834.2); short protein forms L1798V.
Identifiers: ClinVar variation 246468 (VCV000246468.18), dbSNP rs879254274, ClinGen allele CA10584347.